The following is an entry in ClinVar:

ClinVar aggregate classification (germline): Uncertain significance (1 of 4 stars; one submission).

Allele frequency attached by ClinVar (database versions not stated): gnomAD exomes below 0.00001; TOPMed below 0.00001; gnomAD 0.00001.
gnomAD v4.1: 2 of 1,552,460 alleles (0.00013%); highest among the groups gnomAD compares: Non-Finnish European, 0.00017%; no homozygotes.

Submission:

Labcorp Genetics (formerly Invitae), Labcorp
Classification: Uncertain significance. Last evaluated: 2023-04-23. Review status: criteria provided, single submitter. Criteria: Invitae Variant Classification Sherloc (09022015). Collection method: clinical testing. Allele origin: germline.
Comment: This variant is not present in population databases (gnomAD no frequency). In summary, the available evidence is currently insufficient to determine the role of this variant in disease. Therefore, it has been classified as a Variant of Uncertain Significance. An algorithm developed to predict the effect of missense changes on protein structure and function (PolyPhen-2) suggests that this variant is likely to be disruptive. ClinVar contains an entry for this variant (Variation ID: 2108172). This variant has not been reported in the literature in individuals affected with RIMS1-related conditions. This sequence change replaces proline, which is neutral and non-polar, with leucine, which is neutral and non-polar, at codon 692 of the RIMS1 protein (p.Pro692Leu).

NM_014989.7(RIMS1):c.2075C>T (p.Pro692Leu)

Gene: RIMS1 (regulating synaptic membrane exocytosis 1; plus strand). Cytogenetic location: 6q13.
Variant type: single nucleotide variant.
Coding change: c.2075C>T on transcript NM_014989.7 (MANE Select); coding-DNA position 2075, C replaced by T.
Protein change: p.Pro692Leu; replaces proline 692 with leucine.
Molecular consequence: missense variant.
Genome position (GRCh38, 1-based): chr6:72,242,431, C>T. VCF-style: chr6-72242431-C-T. GRCh37 (hg19) VCF-style: chr6-72952134-C-T.
Other names: c.497C>T, p.Pro166Leu (NM_001168407.2, NM_001168408.2, NM_001350414.2 and 37 more transcripts); c.254C>T, p.Pro85Leu (NM_001168409.2, NM_001350466.2, NM_001350467.2 and 6 more transcripts); c.452C>T, p.Pro151Leu (NM_001168410.2, NM_001350470.2, NM_001350472.2 and 2 more transcripts); c.428C>T, p.Pro143Leu (NM_001350428.2, NM_001350430.2, NM_001350450.2 and 6 more transcripts); short protein forms P692L, P151L, P143L, P166L, P85L.
Identifiers: ClinVar variation 2108172 (VCV002108172.4), dbSNP rs1194348274, ClinGen allele CA364677014.